The following is an entry in ClinVar:

NM_000260.4(MYO7A):c.3572_3574delinsCC (p.Gly1191fs)

Gene: MYO7A (myosin VIIA; plus strand). Cytogenetic location: 11q13.5.
Variant type: Indel.
Coding change: c.3572_3574delinsCC on transcript NM_000260.4 (MANE Select); coding-DNA positions 3572 to 3574, GCT replaced by CC.
Protein change: p.Gly1191fs; shifts the reading frame from glycine 1191.
Molecular consequence: frameshift variant.
Genome position (GRCh38, 1-based): chr11:77,189,412-77,189,414, GCT replaced by CC. VCF-style: chr11-77189412-GCT-CC. GRCh37 (hg19) VCF-style: chr11-76900457-GCT-CC.
Other names: c.3572_3574delinsCC, p.Gly1191fs (NM_001127180.2); c.3539_3541delinsCC, p.Gly1180fs (NM_001369365.1); short protein forms G1180fs, G1191fs.
Identifiers: ClinVar variation 4081746 (VCV004081746.1).

ClinVar aggregate classification (germline): Pathogenic (1 of 4 stars; one submission).

Conditions:
Usher syndrome type 1 (USH1). Also called: RETINITIS PIGMENTOSA AND CONGENITAL DEAFNESS. Identifiers: Orphanet 231169, Orphanet 886, MedGen C1568247, MONDO:0010168, OMIM 276900.

Submission:

Myriad Genetics, Inc.
Classification: Pathogenic for Usher syndrome type 1. Last evaluated: 2025-06-06. Review status: criteria provided, single submitter. Criteria: Myriad Autosomal Dominant, Autosomal Recessive and X-Linked Classification Criteria (2023). Collection method: clinical testing. Allele origin: unknown.
Comment: NM_000260.3(MYO7A):c.3572_3574delGCTinsCC(G1191Afs*41) is a frameshift variant classified as pathogenic in the context of MYO7A-related disorders. G1191Afs*41 has not been observed in cases with relevant disease. Relevant functional assessments of this variant are not available in the literature. G1191Afs*41 has not been observed in referenced population frequency databases. In summary, NM_000260.3(MYO7A):c.3572_3574delGCTinsCC(G1191Afs*41) is a frameshift variant in a gene where loss of function is a known mechanism of disease and is predicted to disrupt protein function. Please note: this variant was assessed in the context of healthy population screening.